The following is an entry in ClinVar:

ClinVar aggregate classification (germline): Pathogenic/Likely pathogenic. Review status: criteria provided, multiple submitters, no conflicts (2 of 4 stars). 9 submissions from 9 submitters: Pathogenic (4); Likely pathogenic (5). Last evaluated 2025-08-18.

Conditions:
ATP6V0A4-related disorder. Also called: ATP6V0A4-related condition.
Renal tubular acidosis, distal, 3, with or without sensorineural hearing loss (DRTA3). Identifiers: MedGen C5399980, MONDO:0011268, OMIM 602722.
Autosomal recessive distal renal tubular acidosis. Identifiers: Orphanet 402041, MedGen C1864498, MONDO:0018440.

Allele frequency attached by ClinVar (database versions not stated): ExAC 0.00002; gnomAD exomes 0.00002; gnomAD 0.00001; TOPMed 0.00001.

Submissions (9):

PreventionGenetics, part of Exact Sciences
Classification: Pathogenic for ATP6V0A4-related condition. Last evaluated: 2025-08-18. Review status: criteria provided, single submitter. Criteria: ACMG Guidelines, 2015. Collection method: clinical testing. Allele origin: germline.
Comment: The ATP6V0A4 c.2419C>T variant is predicted to result in premature protein termination (p.Arg807*). This variant has been reported in the compound heterozygous state in individuals with distal renal tubular acidosis (Liu et al. 2018. PubMed ID: 30230413; Supp. Table 3, Rao et al. 2019. PubMed ID: 31328266). This variant is reported in 0.010% of alleles in individuals of East Asian descent in gnomAD. Nonsense variants in ATP6V0A4 are expected to be pathogenic. This variant is interpreted as pathogenic.

Revvity Omics, Revvity
Classification: Likely pathogenic for Renal tubular acidosis, distal, 3, with or without sensorineural hearing loss. Last evaluated: 2024-10-22. Review status: criteria provided, single submitter. Criteria: ACMG Guidelines, 2015. Collection method: clinical testing. Allele origin: germline.

Blueprint Genetics
Classification: Likely pathogenic for ATP6V0A4-related disorders. Last evaluated: 2024-02-12. Review status: criteria provided, single submitter. Criteria: ACMG Guidelines, 2015. Collection method: clinical testing. Allele origin: germline. Affected: yes. Observed: 5 variant alleles.

3billion
Classification: Likely pathogenic for Renal tubular acidosis, distal, 3, with or without sensorineural hearing loss. Last evaluated: 2024-02-01. Review status: criteria provided, single submitter. Criteria: ACMG Guidelines, 2015. Collection method: clinical testing. Allele origin: germline. Affected: yes.
Comment: The variant is observed at an extremely low frequency in the gnomAD v2.1.1 dataset (total allele frequency: 0.002%). Predicted Consequence/Location: Stop-gained (nonsense): predicted to result in a loss or disruption of normal protein function through protein truncation. The predicted truncated protein may be shortened by less than 10%. The variant has been reported at least twice as pathogenic with clinical assertions and evidence for the classification (ClinVar ID: VCV000450988 /PMID: 30230413). Therefore, this variant is classified as Likely pathogenic according to the recommendation of ACMG/AMP guideline.

MVZ Medizinische Genetik Mainz
Classification: Pathogenic for Renal tubular acidosis, distal, 3, with or without sensorineural hearing loss. Last evaluated: 2023-12-15. Review status: criteria provided, single submitter. Criteria: UK Practice Guidelines For Variant Classification V4 01 2020. Collection method: clinical testing. Allele origin: germline. Inheritance: Autosomal recessive inheritance. Affected: yes. Observed: 1 variant allele.
Comment: ACMG Criteria: PVS1_STR,PM3_STR,PM2_SUP,PP4

Labcorp Genetics (formerly Invitae), Labcorp
Classification: Pathogenic. Last evaluated: 2022-10-28. Review status: criteria provided, single submitter. Criteria: Invitae Variant Classification Sherloc (09022015). Collection method: clinical testing. Allele origin: germline.
Comment: This sequence change creates a premature translational stop signal (p.Arg807*) in the ATP6V0A4 gene. While this is not anticipated to result in nonsense mediated decay, it is expected to disrupt the last 34 amino acid(s) of the ATP6V0A4 protein. This premature translational stop signal has been observed in individual(s) with distal renal tubular acidosis (PMID: 30230413). ClinVar contains an entry for this variant (Variation ID: 450988). This variant disrupts a region of the ATP6V0A4 protein in which other variant(s) (p.Arg807Gln) have been determined to be pathogenic (PMID: 12414817, 23754897, 29202719). This suggests that this is a clinically significant region of the protein, and that variants that disrupt it are likely to be disease-causing. This variant is present in population databases (rs769164245, gnomAD 0.01%). For these reasons, this variant has been classified as Pathogenic.

GeneDx
Classification: Likely pathogenic. Last evaluated: 2021-11-30. Review status: criteria provided, single submitter. Criteria: GeneDx Variant Classification Process June 2021. Collection method: clinical testing. Allele origin: germline. Affected: yes.
Comment: Nonsense variant in the C-terminus predicted to result in protein truncation, as the last 34 amino acids are lost; Not observed at significant frequency in large population cohorts (Lek et al., 2016); This variant is associated with the following publications: (PMID: 29460158, 31589614, 32613277, 30230413)

Women's Health and Genetics/Laboratory Corporation of America, LabCorp
Classification: Pathogenic for Autosomal recessive distal renal tubular acidosis. Last evaluated: 2021-10-27. Review status: criteria provided, single submitter. Criteria: LabCorp Variant Classification Summary - May 2015. Collection method: clinical testing. Allele origin: germline.
Comment: Variant summary: ATP6V0A4 c.2419C>T (p.Arg807X) results in a premature termination codon, predicted to cause a truncation of the encoded protein or absence of the protein due to nonsense mediated decay, which are commonly known mechanisms for disease. The variant allele was found at a frequency of 2.4e-05 in 251282 control chromosomes. c.2419C>T has been reported in the literature in multiple individuals affected with Renal Tubular Acidosis, Distal, Autosomal Recessive (Liu_2018, Atmis_2020). These data indicate that the variant is very likely to be associated with disease. To our knowledge, no experimental evidence demonstrating an impact on protein function has been reported. One clinical diagnostic laboratory has submitted clinical-significance assessments for this variant to ClinVar after 2014 without evidence for independent evaluation classified the variant as likely pathogenic. Based on the evidence outlined above, the variant was classified as pathogenic.

Juno Genomics, Hangzhou Juno Genomics, Inc
Classification: Likely pathogenic for Renal tubular acidosis, distal, 3, with or without sensorineural hearing loss. Review status: criteria provided, single submitter. Criteria: ACMG Guidelines, 2015. Collection method: clinical testing. Allele origin: germline.
Comment: Absent from controls (or at extremely low frequency if recessive) in Genome Aggregation Database.;Null variant in a gene where loss of function (LOF) is a known mechanism of disease.;For recessive disorders, detected in trans with a pathogenic variant.;Patient's phenotype or family history is highly specific for a disease with a single genetic etiology.;Co-segregation with disease in multiple affected family members.

Literature cited by the submitters: PubMed 30230413 (cited by 3 submitters); PubMed 12414817 (cited by Labcorp Genetics (formerly Invitae), Labcorp); PubMed 23754897 (cited by Labcorp Genetics (formerly Invitae), Labcorp); PubMed 29202719 (cited by Labcorp Genetics (formerly Invitae), Labcorp); PubMed 31589614 (cited by Women's Health and Genetics/Laboratory Corporation of America, LabCorp); PubMed 32613277 (cited by Women's Health and Genetics/Laboratory Corporation of America, LabCorp).

NM_020632.3(ATP6V0A4):c.2419C>T (p.Arg807Ter)

Gene: ATP6V0A4 (ATPase H+ transporting V0 subunit a4; minus strand). Cytogenetic location: 7q34.
Variant type: single nucleotide variant.
Coding change: c.2419C>T on transcript NM_020632.3 (MANE Select); coding-DNA position 2419, C replaced by T.
Protein change: p.Arg807Ter; replaces arginine 807 with a stop codon.
Molecular consequence: nonsense.
Genome position (GRCh38, 1-based): chr7:138,709,634, G>A on the plus strand (C>T on the coding strand, the complement: ATP6V0A4 is on the minus strand). VCF-style: chr7-138709634-G-A. GRCh37 (hg19) VCF-style: chr7-138394379-G-A.
Other names: c.2419C>T, p.Arg807Ter (NM_130840.3, NM_130841.3); short protein forms R807*.
Identifiers: ClinVar variation 450988 (VCV000450988.20), dbSNP rs769164245, ClinGen allele CA4504432.